The following is an entry in ClinVar:

NM_015910.7(WDPCP):c.1238T>G (p.Ile413Ser)

Gene: WDPCP (WD repeat containing planar cell polarity effector; minus strand). Cytogenetic location: 2p15.
Variant type: single nucleotide variant.
Coding change: c.1238T>G on transcript NM_015910.7 (MANE Select); coding-DNA position 1238, T replaced by G.
Protein change: p.Ile413Ser; replaces isoleucine 413 with serine.
Molecular consequence: missense variant. On other transcripts: non-coding transcript variant (3).
Genome position (GRCh38, 1-based): chr2:63,404,245, A>C on the plus strand (T>G on the coding strand, the complement: WDPCP is on the minus strand). VCF-style: chr2-63404245-A-C. GRCh37 (hg19) VCF-style: chr2-63631380-A-C.
Other names: c.761T>G, p.Ile254Ser (NM_001042692.3); c.1166T>G, p.Ile389Ser (NM_001354044.2); c.1238T>G, p.Ile413Ser (NM_001354045.2); c.1238T>G (NM_015910.5); short protein forms I254S, I389S, I413S.
Identifiers: ClinVar variation 1059505 (VCV001059505.11), dbSNP rs952405240, ClinGen allele CA49233667.
Genomic context (GRCh38, chr2:63,404,245, plus strand): 5'-TCAAATAATTTACTGAATTGCAGAGTCTCCCTGGGTAAGCGGTCTTCAGCCAACAGTTGG[A>C]TGTTAATAGGGGATAGAGCCATATCAAAAATTTGCAACTCCCCTTGGTTGCTGCCAACTA-3'
Protein context (NP_056994.3, residues 403-423): IFDMALSPIN[Ile413Ser]QLLAEDRLPR

ClinVar aggregate classification (germline): Uncertain significance. Review status: criteria provided, multiple submitters, no conflicts (2 of 4 stars). 3 submissions from 3 submitters: Uncertain significance (3). Last evaluated 2026-09-08.

Conditions:
Bardet-Biedl syndrome (BBS). Identifiers: Orphanet 110, MedGen C0752166, MONDO:0015229.
WDPCP-related disorder. Also called: WDPCP-related condition.
Inborn genetic diseases. Identifiers: MedGen C0950123, MeSH D030342.

Allele frequency attached by ClinVar (database versions not stated): gnomAD exomes below 0.00001.
gnomAD v4.1: 1 of 1,613,650 alleles (0.000062%); highest among the groups gnomAD compares: Middle Eastern, 0.017%; no homozygotes.

Submissions (3):

PreventionGenetics, part of Exact Sciences
Classification: Uncertain significance for WDPCP-related condition. Last evaluated: 2026-09-08. Review status: criteria provided, single submitter. Criteria: ACMG Guidelines, 2015. Collection method: clinical testing. Allele origin: germline.
Comment: The WDPCP c.1238T>G variant is predicted to result in the amino acid substitution p.Ile413Ser. To our knowledge, this variant has not been reported in the literature or in a large population database (gnomAD), indicating this variant is rare. At this time, the clinical significance of this variant is uncertain due to the absence of conclusive functional and genetic evidence.

Labcorp Genetics (formerly Invitae), Labcorp
Classification: Uncertain significance for Bardet-Biedl syndrome. Last evaluated: 2024-10-16. Review status: criteria provided, single submitter. Criteria: Invitae Variant Classification Sherloc (09022015). Collection method: clinical testing. Allele origin: germline.
Comment: This sequence change replaces isoleucine, which is neutral and non-polar, with serine, which is neutral and polar, at codon 413 of the WDPCP protein (p.Ile413Ser). This variant is not present in population databases (gnomAD no frequency). This variant has not been reported in the literature in individuals affected with WDPCP-related conditions. ClinVar contains an entry for this variant (Variation ID: 1059505). Invitae Evidence Modeling of protein sequence and biophysical properties (such as structural, functional, and spatial information, amino acid conservation, physicochemical variation, residue mobility, and thermodynamic stability) indicates that this missense variant is not expected to disrupt WDPCP protein function with a negative predictive value of 80%. In summary, the available evidence is currently insufficient to determine the role of this variant in disease. Therefore, it has been classified as a Variant of Uncertain Significance.

Ambry Genetics
Classification: Uncertain significance for Inborn genetic diseases. Last evaluated: 2024-08-12. Review status: criteria provided, single submitter. Criteria: Ambry Variant Classification Scheme 2023. Collection method: clinical testing. Allele origin: germline.